The following is an entry in ClinVar:

NM_001009944.3(PKD1):c.2086G>A (p.Ala696Thr)

Gene: PKD1 (polycystin 1, transient receptor potential channel interacting; minus strand). Cytogenetic location: 16p13.3.
Variant type: single nucleotide variant.
Coding change: c.2086G>A on transcript NM_001009944.3 (MANE Select); coding-DNA position 2086, G replaced by A.
Protein change: p.Ala696Thr; replaces alanine 696 with threonine.
Molecular consequence: missense variant.
Genome position (GRCh38, 1-based): chr16:2,115,389, C>T on the plus strand (G>A on the coding strand, the complement: PKD1 is on the minus strand). VCF-style: chr16-2115389-C-T. GRCh37 (hg19) VCF-style: chr16-2165390-C-T.
Other names: c.2086G>A, p.Ala696Thr (NM_000296.4); short protein forms A696T.
Identifiers: ClinVar variation 2646027 (VCV002646027.26), dbSNP rs772014211, ClinGen allele CA7833286.

ClinVar aggregate classification (germline): Likely benign. Review status: criteria provided, multiple submitters, no conflicts (2 of 4 stars). 3 submissions from 3 submitters: Likely benign (2). 1 of the submissions does not count toward it. Last evaluated 2026-04-01.

Conditions:
PKD1-related disorder. Also called: PKD1-related condition.

Submissions (3):

CeGaT Center for Human Genetics Tuebingen
Classification: Likely benign. Last evaluated: 2026-04-01. Review status: criteria provided, single submitter. Criteria: CeGaT Center For Human Genetics Tuebingen Variant Classification Criteria Version 2. Collection method: clinical testing. Allele origin: germline. Affected: yes. Observed: 2 variant alleles.
Comment: PKD1: BP4

Blueprint Genetics
Classification: Likely benign. Last evaluated: 2024-11-26. Review status: criteria provided, single submitter. Criteria: ACMG Guidelines, 2015. Collection method: clinical testing. Allele origin: germline.

PreventionGenetics, part of Exact Sciences
Classification: Likely benign for PKD1-related condition. Last evaluated: 2020-02-19. Review status: no assertion criteria provided. Collection method: clinical testing. Allele origin: germline. Not counted in ClinVar's aggregate classification.
Comment: This variant is classified as likely benign based on ACMG/AMP sequence variant interpretation guidelines (Richards et al. 2015 PMID: 25741868, with internal and published modifications).